The following is an entry in ClinVar:

ClinVar aggregate classification (germline): Pathogenic (1 of 4 stars; one submission).

Conditions:
Hereditary angioedema type 1 (HAE1). Identifiers: Orphanet 100050, Orphanet 100051, Orphanet 91378, MedGen C2717906, MONDO:0015053, OMIM 106100.

Submission:

DNA-diagnostics Laboratory, Research Centre For Medical Genetics
Classification: Pathogenic for Hereditary angioedema type 1. Last evaluated: 2024-08-10. Review status: criteria provided, single submitter. Criteria: ACMG Guidelines, 2015. Collection method: research. Allele origin: germline. Inheritance: Autosomal dominant inheritance. Affected: yes. Observed: 1 heterozygote.
Comment: The pathogenic or likely pathogenic SERPING1 gene variants are detected in >90% of the HAE1/2 families and in >80% of the total HAE families (e.g., DOI: 10.1016/j.molimm.2008.05.007, 10.1159/2F000138883, 10.1016/j.molimm.2011.07.010). Across all SERPING1 gene exons, about 50% of the pathogenic or likely pathogenic variants associated with HAE are LoF (173/297 in ClinVar or 292/596 in HGMD 2022.1). According to our observation the c.64dupT variant in SERPING1 meets ACMG/ClinGen SVI guidance criteria to be classified as pathogenic: PVS1, PP4_Str, PM2_Sup

NM_000062.3(SERPING1):c.64dup (p.Ser22fs)

Gene: SERPING1 (serpin family G member 1; plus strand). Cytogenetic location: 11q12.1.
Variant type: Duplication.
Coding change: c.64dup on transcript NM_000062.3 (MANE Select); coding-DNA position 64, one base duplicated (T; older notation c.64dupT).
Protein change: p.Ser22fs; shifts the reading frame from serine 22.
Molecular consequence: frameshift variant.
Genome position (GRCh38, 1-based): chr11:57,599,891, T duplicated. VCF-style (leftmost placement, unchanged base first): chr11-57599890-C-CT. GRCh37 (hg19) VCF-style: chr11-57367363-C-CT.
Other names: c.64dup, p.Ser22fs (NM_001032295.2); c.64dupT (NM_000062.3); short protein forms S22fs.
Identifiers: ClinVar variation 3336839 (VCV003336839.2).